The following is an entry in ClinVar:

NM_013322.3(SNX10):c.284G>A (p.Arg95His)

Gene: SNX10 (sorting nexin 10; plus strand). Cytogenetic location: 7p15.2.
Variant type: single nucleotide variant.
Coding change: c.284G>A on transcript NM_013322.3 (MANE Select); coding-DNA position 284, G replaced by A.
Protein change: p.Arg95His; replaces arginine 95 with histidine.
Molecular consequence: missense variant.
Genome position (GRCh38, 1-based): chr7:26,365,118, G>A. VCF-style: chr7-26365118-G-A. GRCh37 (hg19) VCF-style: chr7-26404738-G-A.
Other names: c.284G>A, p.Arg95His (NM_001199835.1, NM_001318199.3); c.275G>A, p.Arg92His (NM_001199837.3); c.32G>A, p.Arg11His (NM_001199838.2); c.362G>A, p.Arg121His (NM_001318198.1, NM_001362753.1, NM_001362754.1); short protein forms R95H, R11H, R121H, R92H.
Identifiers: ClinVar variation 635163 (VCV000635163.5), dbSNP rs897553060, ClinGen allele CA156146188.

ClinVar aggregate classification (germline): Uncertain significance. Review status: criteria provided, multiple submitters, no conflicts (2 of 4 stars). 3 submissions from 3 submitters: Uncertain significance (2). 1 of the submissions does not count toward it. Last evaluated 2022-12-20.

Conditions:
Autosomal recessive osteopetrosis 8. Identifiers: Orphanet 667, MedGen C3554478, MONDO:0014040, OMIM 615085.
Infantile osteopetrosis.

Allele frequency attached by ClinVar (database versions not stated): gnomAD exomes below 0.00001; gnomAD 0.00001; TOPMed 0.00002.
gnomAD v4.1: 5 of 1,612,216 alleles (0.00031%); highest among the groups gnomAD compares: African/African-American, 0.0013%; no homozygotes.

Submissions (3):

Labcorp Genetics (formerly Invitae), Labcorp
Classification: Uncertain significance. Last evaluated: 2022-12-20. Review status: criteria provided, single submitter. Criteria: Invitae Variant Classification Sherloc (09022015). Collection method: clinical testing. Allele origin: germline.
Comment: In summary, the available evidence is currently insufficient to determine the role of this variant in disease. Therefore, it has been classified as a Variant of Uncertain Significance. Algorithms developed to predict the effect of missense changes on protein structure and function are either unavailable or do not agree on the potential impact of this missense change (SIFT: "Tolerated"; PolyPhen-2: "Probably Damaging"; Align-GVGD: "Class C0"). ClinVar contains an entry for this variant (Variation ID: 635163). This missense change has been observed in individuals with autosomal recessive infantile osteopetrosis (PMID: 25590979, 27187610; Invitae). This variant is not present in population databases (gnomAD no frequency). This sequence change replaces arginine, which is basic and polar, with histidine, which is basic and polar, at codon 95 of the SNX10 protein (p.Arg95His).

Revvity Omics, Revvity
Classification: Uncertain significance for Autosomal recessive osteopetrosis 8. Last evaluated: 2021-03-05. Review status: criteria provided, single submitter. Criteria: ACMG Guidelines, 2015. Collection method: clinical testing. Allele origin: germline.

Molecular Genetics Laboratory, Institute for Ophthalmic Research
Classification: Likely pathogenic for Infantile osteopetrosis. Last evaluated: 2017-12-13. Review status: no assertion criteria provided. Collection method: research. Allele origin: inherited. Affected: yes. Not counted in ClinVar's aggregate classification.

Literature cited by the submitters: PubMed 25590979 (cited by Labcorp Genetics (formerly Invitae), Labcorp); PubMed 27187610 (cited by Labcorp Genetics (formerly Invitae), Labcorp).